The following is an entry in ClinVar:

ClinVar aggregate classification (germline): Benign/Likely benign. Review status: criteria provided, multiple submitters, no conflicts (2 of 4 stars). 4 submissions from 4 submitters: Benign (3); Likely benign (1). Last evaluated 2026-01-27.

Conditions:
Hypertrophic cardiomyopathy 1 (CMH1). Also called: Familial hypertrophic cardiomyopathy 1; MYH7-Related Familial Hypertrophic Cardiomyopathy. Identifiers: MedGen C3495498, MONDO:0008647, OMIM 192600.

Allele frequency attached by ClinVar (database versions not stated): gnomAD exomes 0.00036 and 0.00110; ExAC 0.00140; gnomAD 0.00356 and 0.00374; TOPMed 0.00417; ESP Exome Variant Server 0.00431; 1000 Genomes Project 0.00459; 1000 Genomes Project 30x 0.00500.
gnomAD v4.1: 1,074 of 1,611,816 alleles (0.067%); highest among the groups gnomAD compares: African/African-American, 1.3%; 10 homozygotes.

Submissions (4):

Labcorp Genetics (formerly Invitae), Labcorp
Classification: Benign for Hypertrophic cardiomyopathy 1. Last evaluated: 2026-01-27. Review status: criteria provided, single submitter. Criteria: Invitae Variant Classification Sherloc (09022015). Collection method: clinical testing. Allele origin: germline.

Blueprint Genetics
Classification: Likely benign. Last evaluated: 2024-10-15. Review status: criteria provided, single submitter. Criteria: ACMG Guidelines, 2015. Collection method: clinical testing. Allele origin: germline.

Women's Health and Genetics/Laboratory Corporation of America, LabCorp
Classification: Benign. Last evaluated: 2020-10-26. Review status: criteria provided, single submitter. Criteria: LabCorp Variant Classification Summary - May 2015. Collection method: clinical testing. Allele origin: germline.
Comment: Variant summary: MYLK2 c.1711-20C>G alters a non-conserved nucleotide located close to a canonical splice site and therefore could affect mRNA splicing, leading to a significantly altered protein sequence. 4/4 computational tools predict no significant impact on normal splicing. However, these predictions have yet to be confirmed by functional studies. The variant allele was found at a frequency of 0.0011 in 249220 control chromosomes in the gnomAD database, including 3 homozygotes. The observed variant frequency is approximately 44 fold of the estimated maximal expected allele frequency for a pathogenic variant in MYLK2 causing Hypertrophic Cardiomyopathy phenotype (2.5e-05), strongly suggesting that the variant is benign. No clinical diagnostic laboratories have submitted clinical-significance assessments for this variant to ClinVar after 2014. Based on the evidence outlined above, the variant was classified as benign.

GeneDx
Classification: Benign. Last evaluated: 2014-05-01. Review status: criteria provided, single submitter. Criteria: GeneDx Variant Classification (06012015). Collection method: clinical testing. Allele origin: germline. Affected: yes.
Comment: This variant is considered likely benign or benign based on one or more of the following criteria: it is a conservative change, it occurs at a poorly conserved position in the protein, it is predicted to be benign by multiple in silico algorithms, and/or has population frequency not consistent with disease.

NM_033118.4(MYLK2):c.1711-20C>G

Gene: MYLK2 (myosin light chain kinase 2; plus strand). Cytogenetic location: 20q11.21.
Variant type: single nucleotide variant.
Coding change: c.1711-20C>G on transcript NM_033118.4 (MANE Select); 20 bases into the intron before coding-DNA position 1711, C replaced by G.
Molecular consequence: intron variant.
Genome position (GRCh38, 1-based): chr20:31,833,697, C>G. VCF-style: chr20-31833697-C-G. GRCh37 (hg19) VCF-style: chr20-30421500-C-G.
Identifiers: ClinVar variation 138403 (VCV000138403.11), dbSNP rs189282373, ClinGen allele CA333113.